The following is an entry in ClinVar:

ClinVar aggregate classification (germline): Likely pathogenic (3 of 4 stars; one submission).

Conditions:
Complex neurodevelopmental disorder. Identifiers: Orphanet 528084, MedGen C5568766, MONDO:0100038.

Submission:

ClinGen Epilepsy Sodium Channel Variant Curation Expert Panel, Clingen
Classification: Likely pathogenic for Complex neurodevelopmental disorder. Last evaluated: 2026-03-24. Review status: reviewed by expert panel. Criteria: ClinGen EpilepsySCN ACMG Specifications SCN8A V2.0.0. Collection method: curation. Allele origin: germline. Inheritance: Autosomal dominant inheritance.
Comment: The NM_014191.4:c.669G>C variant, also known as NM_001330260.2:c.615-193G>C, in SCN8A is a missense variant predicted to cause substitution of arginine by serine at amino acid 223 (p.Arg223Ser). This variant has been identified as a de novo occurrence with unconfirmed parental relationships in 1 individual with autosomal dominant complex neurodevelopmental disorder (PM6_Supporting; PMID 29933521). This variant resides within a region, amino acids 216-234, of SCN8A that is defined as a mutational hotspot and/or critical functional domain by the ClinGen Epilepsy Sodium Channel VCEP (PM1). The computational predictor REVEL gives a score of 0.858, which is above the threshold of ≥0.773, evidence that correlates with impact to SCN8A function (PP3_Moderate). In summary, this variant meets the criteria to be classified as likely pathogenic for autosomal dominant complex neurodevelopmental disorder based on the ACMG/AMP criteria applied, as specified by the ClinGen Epilepsy Sodium Channel VCEP: PM1, PP3_Moderate, PM6_Supporting, PM2_Supporting. (VCEP Specifications Version 2.0.0; Approved 3/24/26).

NM_014191.4(SCN8A):c.669G>C (p.Arg223Ser)

Gene: SCN8A (sodium voltage-gated channel alpha subunit 8; plus strand). Cytogenetic location: 12q13.13.
Variant type: single nucleotide variant.
Coding change: c.669G>C on transcript NM_014191.4 (MANE Plus Clinical); coding-DNA position 669, G replaced by C.
Protein change: p.Arg223Ser; replaces arginine 223 with serine.
Molecular consequence: missense variant. On other transcripts: intron variant (2).
Genome position (GRCh38, 1-based): chr12:51,688,812, G>C. VCF-style: chr12-51688812-G-C. GRCh37 (hg19) VCF-style: chr12-52082596-G-C.
Other names: NM_001177984.3:c.669G>C; c.615-193G>C (NM_001369788.1, NM_001330260.2); c.669G>C, p.Arg223Ser (NM_001177984.3); short protein forms R223S.
Identifiers: ClinVar variation 4879832 (VCV004879832.1).
Genomic context (GRCh38, chr12:51,688,812, plus strand): 5'-CTGCAGGTATATAACAGAGTTTGTAAACCTAGGCAATGTTTCAGCTCTACGCACTTTCAG[G>C]GTACTGAGGGCTTTGAAAACTATTTCGGTAATCCCAGGTAAGATGGTCCGGGGTTGGTGT-3'
Protein context (NP_055006.1, residues 213-233): LGNVSALRTF[Arg223Ser]VLRALKTISV